The following is an entry in ClinVar:

NM_004608.4(TBX6):c.80G>C (p.Ser27Thr)

Gene: TBX6 (T-box transcription factor 6; minus strand). Cytogenetic location: 16p11.2.
Variant type: single nucleotide variant.
Coding change: c.80G>C on transcript NM_004608.4 (MANE Select); coding-DNA position 80, G replaced by C.
Protein change: p.Ser27Thr; replaces serine 27 with threonine.
Molecular consequence: missense variant.
Genome position (GRCh38, 1-based): chr16:30,091,114, C>G on the plus strand (G>C on the coding strand, the complement: TBX6 is on the minus strand). VCF-style: chr16-30091114-C-G. GRCh37 (hg19) VCF-style: chr16-30102435-C-G.
Other names: short protein forms S27T.
Identifiers: ClinVar variation 1049788 (VCV001049788.1), dbSNP rs560107674, ClinGen allele CA280434902.
Genomic context (GRCh38, chr16:30,091,114, plus strand): 5'-AGGAGCTGGTCCCAACGCTCACCGGGGTAGCGGTAGCCCTCCGCTAGGGCGGGTGGGAAG[C>G]TGGAGTCGGCCCCAGGTTGGGCGGGCCCCAGGCGGTAGCCGGCCCCCAGGGACGGGTACA-3'
Protein context (NP_004599.2, residues 17-37): LGPAQPGADS[Ser27Thr]FPPALAEGYR

ClinVar aggregate classification (germline): Uncertain significance (0 of 4 stars; one submission).

Allele frequency attached by ClinVar (database versions not stated): gnomAD 0.00001; TOPMed 0.00001.
gnomAD v4.1: 5 of 1,587,352 alleles (0.00031%); highest among the groups gnomAD compares: African/African-American, 0.0027%; no homozygotes.

Submission:

Department of Pathology and Laboratory Medicine, Sinai Health System
Classification: Uncertain significance. Review status: no assertion criteria provided. Collection method: clinical testing. Allele origin: unknown. Affected: yes. Study: The Canadian Open Genetics Repository (COGR).
Comment: The TBX6 p.Ser27Thr variant was not identified in the literature nor was it identified in ClinVar, Cosmic or LOVD 3.0. The variant was identified in dbSNP (ID: rs560107674) but was not identified in the following control databases: the 1000 Genomes Project, the NHLBI GO Exome Sequencing Project, or the Genome Aggregation Database (Feb 27, 2017). The variant occurs outside of the splicing consensus sequence however 3 out of 4 in silico or computational programs (MaxEntScan, NNSPLICE, GeneSplicer) predict a greater than 10% difference in splicing. The p.Ser27 residue is not conserved in mammals and computational analyses (PolyPhen-2, SIFT, AlignGVGD, BLOSUM, MutationTaster) do not suggest a high likelihood of impact to the protein; however, this information is not predictive enough to rule out pathogenicity. In summary, based on the above information, the clinical significance of this variant cannot be determined with certainty at this time. This variant is classified as a variant of uncertain significance.